The following is an entry in ClinVar:

NM_000256.3(MYBPC3):c.2789del (p.Leu930fs)

Gene: MYBPC3 (myosin binding protein C3; minus strand). Cytogenetic location: 11p11.2.
Variant type: Deletion.
Coding change: c.2789del on transcript NM_000256.3 (MANE Select); coding-DNA position 2789, one base deleted (T; older notation c.2789delT).
Protein change: p.Leu930fs; shifts the reading frame from leucine 930.
Molecular consequence: frameshift variant.
Genome position (GRCh38, 1-based): chr11:47,335,158, A deleted on the plus strand (T on the coding strand, the reverse complement: MYBPC3 is on the minus strand). VCF-style (leftmost placement, unchanged base first): chr11-47335157-CA-C. GRCh37 (hg19) VCF-style: chr11-47356708-CA-C.
Other names: c.2789del, p.Leu930fs (LRG_386t1); c.2789delT (NM_000256.3); short protein forms L930fs.
Identifiers: ClinVar variation 228370 (VCV000228370.16), dbSNP rs876657705, ClinGen allele CA10576885.

ClinVar aggregate classification (germline): Pathogenic. Review status: criteria provided, multiple submitters, no conflicts (2 of 4 stars). 4 submissions from 4 submitters: Pathogenic (4). Last evaluated 2024-04-13.

Conditions:
Cardiovascular phenotype. Identifiers: MedGen CN230736.
Cardiomyopathy (CMYO). Also called: Cardiomyopathies. Identifiers: Orphanet 167848, MedGen C0878544, MONDO:0004994, HP:0001638. Inheritance: Various modes of inheritance.
Hypertrophic cardiomyopathy. Also called: HYPERTROPHIC MYOCARDIOPATHY. Identifiers: Orphanet 217569, MedGen C0007194, MeSH D002312, MONDO:0005045, HP:0001639.

Submissions (4):

Labcorp Genetics (formerly Invitae), Labcorp
Classification: Pathogenic for Hypertrophic cardiomyopathy. Last evaluated: 2024-04-13. Review status: criteria provided, single submitter. Criteria: Invitae Variant Classification Sherloc (09022015). Collection method: clinical testing. Allele origin: germline.
Comment: This sequence change creates a premature translational stop signal (p.Leu930Argfs*2) in the MYBPC3 gene. It is expected to result in an absent or disrupted protein product. Loss-of-function variants in MYBPC3 are known to be pathogenic (PMID: 19574547). This variant is not present in population databases (gnomAD no frequency). This premature translational stop signal has been observed in individual(s) with hypertrophic cardiomyopathy (PMID: 27532257). ClinVar contains an entry for this variant (Variation ID: 228370). For these reasons, this variant has been classified as Pathogenic.

CHEO Genetics Diagnostic Laboratory, Children's Hospital of Eastern Ontario
Classification: Pathogenic for Cardiomyopathy. Last evaluated: 2022-10-05. Review status: criteria provided, single submitter. Criteria: ACMG Guidelines, 2015. Collection method: clinical testing. Allele origin: germline.

Molecular Diagnostic Laboratory for Inherited Cardiovascular Disease, Montreal Heart Institute
Classification: Pathogenic for Cardiovascular phenotype. Last evaluated: 2022-06-02. Review status: criteria provided, single submitter. Criteria: ACMG Guidelines, 2015. Collection method: clinical testing. Allele origin: germline. Affected: yes.

Laboratory for Molecular Medicine, Mass General Brigham Personalized Medicine
Classification: Pathogenic for Hypertrophic cardiomyopathy. Last evaluated: 2015-08-13. Review status: criteria provided, single submitter. Criteria: LMM Criteria. Collection method: clinical testing. Allele origin: germline. Observed: 1 variant allele.
Comment: The p.Leu930fs variant in MYBPC3 has not been previously reported in individuals with cardiomyopathy and is absent from large population studies. This variant i s predicted to cause a frameshift, which alters the protein?s amino acid sequenc e beginning at position 930 and leads to a premature termination codon 2 amino a cids downstream. This alteration is then predicted to lead to a truncated or abs ent protein. Heterozygous loss of function of the MYBPC3 gene is an established disease mechanism in individuals with HCM. In summary, this variant meets our c riteria to be classified as pathogenic for HCM in an autosomal dominant manner based upon the predicted impact of the variant.

Literature cited by the submitters: PubMed 19574547 (cited by Labcorp Genetics (formerly Invitae), Labcorp); PubMed 27532257 (cited by Labcorp Genetics (formerly Invitae), Labcorp).